The following is an entry in ClinVar:

NM_001009944.3(PKD1):c.9973G>T (p.Val3325Phe)

Gene: PKD1 (polycystin 1, transient receptor potential channel interacting; minus strand). Cytogenetic location: 16p13.3.
Variant type: single nucleotide variant.
Coding change: c.9973G>T on transcript NM_001009944.3 (MANE Select); coding-DNA position 9973, G replaced by T.
Protein change: p.Val3325Phe; replaces valine 3325 with phenylalanine.
Molecular consequence: missense variant.
Genome position (GRCh38, 1-based): chr16:2,099,721, C>A on the plus strand (G>T on the coding strand, the complement: PKD1 is on the minus strand). VCF-style: chr16-2099721-C-A. GRCh37 (hg19) VCF-style: chr16-2149722-C-A.
Other names: c.9973G>T, p.Val3325Phe (NM_000296.4); short protein forms V3325F.
Identifiers: ClinVar variation 2581964 (VCV002581964.1), dbSNP rs1384393685, ClinGen allele CA394352287.

ClinVar aggregate classification (germline): Uncertain significance (1 of 4 stars; one submission).

Submission:

GeneDx
Classification: Uncertain significance. Last evaluated: 2023-03-29. Review status: criteria provided, single submitter. Criteria: GeneDx Variant Classification Process June 2021. Collection method: clinical testing. Allele origin: germline. Affected: yes.
Comment: Not observed at significant frequency in large population cohorts (gnomAD); In silico analysis supports that this missense variant has a deleterious effect on protein structure/function; Has not been previously published as pathogenic or benign to our knowledge